The following is an entry in ClinVar:

ClinVar aggregate classification (germline): Uncertain significance. Review status: criteria provided, multiple submitters, no conflicts (2 of 4 stars). 3 submissions from 3 submitters: Uncertain significance (2). 1 of the submissions does not count toward it. Last evaluated 2023-12-18.

Conditions:
Tip-toe gait. Also called: Toe walking. Identifiers: MedGen C0427144, HP:0030051.
Congenital myotonia, autosomal dominant form (THD). Also called: THOMSEN DISEASE; Myotonia congenita autosomal dominant. Identifiers: Orphanet 614, MedGen C2936781, MONDO:0008055, OMIM 160800.
Congenital myotonia, autosomal recessive form. Also called: BECKER DISEASE; myotonia congenita, autosomal recessive; Becker Generalized Myotonia. Identifiers: Orphanet 614, MedGen C0751360, MONDO:0009715, OMIM 255700.
Inborn genetic diseases. Identifiers: MedGen C0950123, MeSH D030342.

Allele frequency attached by ClinVar (database versions not stated): TOPMed below 0.00001.

Submissions (3):

Ambry Genetics
Classification: Uncertain significance for Inborn genetic diseases. Last evaluated: 2023-12-18. Review status: criteria provided, single submitter. Criteria: Ambry Variant Classification Scheme 2023. Collection method: clinical testing. Allele origin: germline.

Labcorp Genetics (formerly Invitae), Labcorp
Classification: Uncertain significance for Congenital myotonia, autosomal recessive form; Congenital myotonia, autosomal dominant form. Last evaluated: 2022-08-31. Review status: criteria provided, single submitter. Criteria: Invitae Variant Classification Sherloc (09022015). Collection method: clinical testing. Allele origin: germline.
Comment: This sequence change replaces tryptophan, which is neutral and slightly polar, with arginine, which is basic and polar, at codon 148 of the CLCN1 protein (p.Trp148Arg). This variant is present in population databases (no rsID available, gnomAD 0.0009%). This variant has not been reported in the literature in individuals affected with CLCN1-related conditions. Advanced modeling of protein sequence and biophysical properties (such as structural, functional, and spatial information, amino acid conservation, physicochemical variation, residue mobility, and thermodynamic stability) performed at Invitae indicates that this missense variant is expected to disrupt CLCN1 protein function. In summary, the available evidence is currently insufficient to determine the role of this variant in disease. Therefore, it has been classified as a Variant of Uncertain Significance.

Practice for Gait Abnormalities, David Pomarino, Competency Network Toe Walking C/o Practice Pomarino
Classification: Likely pathogenic for Tip-toe gait. Last evaluated: 2022-12-27. Review status: no assertion criteria provided. Collection method: clinical testing. Allele origin: germline. Affected: yes. Not counted in ClinVar's aggregate classification.
Comment: Myopathy refers to diseases that affect skeletal Muscles. These diseases attack muscle fibers, making muscles weak. Inherited myopathies are often caused by inheriting an abnormal gene mutation from a parent that causes the disease. Symptoms of congenital myopathies usually start at birth or in early childhood, but may not appear until the teen years or even later in adulthood. Congenital myopathies are somewhat unique compared with other inherited myopathies, as weakness typically affects all muscles and is often not progressive. Symptoms are: Muscle weakness, most commonly of upper arms and shoulders and thighs, muscle cramps, stiffness and spasms, fatigue with exertion and lack of energy. Our patients all walk on tiptoe, so they show similar symptoms. When we genetically test them with our toe walking panel, we find that around 90 per cent of them have a genetic variant that explains their toe walking. These can be assigned, for example, to the area of myopathies (such as variants of the COL6A3 gene), the area of hereditary neuropathies (such as variants of the KMT2C gene) or the area of metabolic diseases (such as variants of the PYGM gene). In a smaller group of patients with almost identical symptoms, no abnormality is found in the genes of our panel, but spastic paraplegia can be detected. In another small group of our toe walkers, no abnormalities can be detected in the genes analysed in our toe walking panel, nor do they suffer from spastic paraplegia, as is also the case with healthy children. In contrast to these, however, they show a tiptoe gait. These patients suffer from infantile cerebral palsy, in which toe walking can also be observed.

Literature cited by the submitters: PubMed 37091313 (cited by Practice for Gait Abnormalities, David Pomarino, Competency Network Toe Walking C/o Practice Pomarino).

NM_000083.3(CLCN1):c.442T>C (p.Trp148Arg)

Gene: CLCN1 (chloride voltage-gated channel 1; plus strand). Cytogenetic location: 7q34.
Variant type: single nucleotide variant.
Coding change: c.442T>C on transcript NM_000083.3 (MANE Select); coding-DNA position 442, T replaced by C.
Protein change: p.Trp148Arg; replaces tryptophan 148 with arginine.
Molecular consequence: missense variant. On other transcripts: non-coding transcript variant (1).
Genome position (GRCh38, 1-based): chr7:143,321,373, T>C. VCF-style: chr7-143321373-T-C. GRCh37 (hg19) VCF-style: chr7-143018466-T-C.
Other names: c.442T>C (NM_000083.2); short protein forms W148R.
Identifiers: ClinVar variation 2170869 (VCV002170869.4), dbSNP rs1409574232, ClinGen allele CA369683321.